The following is an entry in ClinVar:

ClinVar aggregate classification (germline): Uncertain significance (1 of 4 stars; one submission).

Conditions:
Shashi-Pena syndrome (SHAPNS). Identifiers: Orphanet 689408, MedGen C4310672, MONDO:0014963, OMIM 617190.

Submission:

Victorian Clinical Genetics Services, Murdoch Childrens Research Institute
Classification: Uncertain significance for Shashi-Pena syndrome. Last evaluated: 2020-05-21. Review status: criteria provided, single submitter. Criteria: ACMG Guidelines, 2015. Collection method: clinical testing. Allele origin: germline. Inheritance: Autosomal dominant inheritance.
Comment: A heterozygous missense variant, NM_018263.4(ASXL2):c.938A>C, has been identified in exon 9 of 13 of the ASXL2 gene. The variant is predicted to result in a moderate amino acid change from glutamine to proline at position 313 of the protein (NP_060733.4(ASXL2):p.(Gln313Pro)). The glutamine residue at this position has high conservation (100 vertebrates, UCSC), and is located within the Asx homology domain. In silico predictions for this variant are consistently pathogenic (Polyphen, SIFT, CADD, Mutation Taster). The variant is absent in population databases (gnomAD) and has not been previously reported in clinical cases. Based on the information available at the time of curation, this variant has been classified as a VARIANT of UNCERTAIN SIGNIFICANCE (VUS) with LOW CLINICAL RELEVANCE. Legend: (P) - Pathogenic, (N) - Neutral, (B) - Benign

NM_018263.6(ASXL2):c.938A>C (p.Gln313Pro)

Gene: ASXL2 (ASXL transcriptional regulator 2; minus strand). Cytogenetic location: 2p23.3.
Variant type: single nucleotide variant.
Coding change: c.938A>C on transcript NM_018263.6 (MANE Select); coding-DNA position 938, A replaced by C.
Protein change: p.Gln313Pro; replaces glutamine 313 with proline.
Molecular consequence: missense variant.
Genome position (GRCh38, 1-based): chr2:25,759,483, T>G on the plus strand (A>C on the coding strand, the complement: ASXL2 is on the minus strand). VCF-style: chr2-25759483-T-G. GRCh37 (hg19) VCF-style: chr2-25982352-T-G.
Other names: c.764A>C, p.Gln255Pro (NM_001369346.1); c.158A>C, p.Gln53Pro (NM_001369347.1); short protein forms Q255P, Q313P, Q53P.
Identifiers: ClinVar variation 1804970 (VCV001804970.1), dbSNP rs2149146306, ClinGen allele CA346078801.
Genomic context (GRCh38, chr2:25,759,483, plus strand): 5'-CACTTTACAAGTATACATAAACAGCTATTTTTAAAATCTTAAGGAGTTCAATGACGCACC[T>G]GTCGATCTACCTCTGGGAGTAGTAAAAGCAGTCGTTGCTGGCAATCTCCAGGAAGGACTG-3'
Protein context (NP_060733.4, residues 303-323): LLLLLPEVDR[Gln313Pro]VGPDGLMKLN